The following is an entry in ClinVar:

ClinVar aggregate classification (germline): Uncertain significance. Review status: criteria provided, multiple submitters, no conflicts (2 of 4 stars). 2 submissions from 2 submitters: Uncertain significance (2). Last evaluated 2026-02-23.

Conditions:
IFT172-related disorder. Also called: IFT172-related condition; IFT172-related disorders.
Retinitis pigmentosa 71 (RP71). Identifiers: Orphanet 791, MedGen C4225342, MONDO:0014618, OMIM 616394.
Short-rib thoracic dysplasia 10 with or without polydactyly (SRTD10). Identifiers: Orphanet 474, MedGen C3810175, MONDO:0014284, OMIM 615630.

Allele frequency attached by ClinVar (database versions not stated): gnomAD 0.00001; gnomAD exomes 0.00001 and 0.00002; TOPMed 0.00001; ExAC 0.00002.
gnomAD v4.1: 17 of 1,613,638 alleles (0.0011%); highest among the groups gnomAD compares: Non-Finnish European, 0.0012%; no homozygotes.

Submissions (2):

PreventionGenetics, part of Exact Sciences
Classification: Uncertain significance for IFT172-related condition. Last evaluated: 2026-02-23. Review status: criteria provided, single submitter. Criteria: ACMG Guidelines, 2015. Collection method: clinical testing. Allele origin: germline.
Comment: The IFT172 c.347C>T variant is predicted to result in the amino acid substitution p.Thr116Ile. To our knowledge, this variant has not been reported in the literature. This variant is reported in 0.0040% of alleles in individuals of European (Finnish) descent in gnomAD. At this time, the clinical significance of this variant is uncertain due to the absence of conclusive functional and genetic evidence.

Labcorp Genetics (formerly Invitae), Labcorp
Classification: Uncertain significance for Retinitis pigmentosa 71; Short-rib thoracic dysplasia 10 with or without polydactyly. Last evaluated: 2022-06-20. Review status: criteria provided, single submitter. Criteria: Invitae Variant Classification Sherloc (09022015). Collection method: clinical testing. Allele origin: germline.
Comment: This sequence change replaces threonine, which is neutral and polar, with isoleucine, which is neutral and non-polar, at codon 116 of the IFT172 protein (p.Thr116Ile). This variant is present in population databases (rs751230602, gnomAD 0.004%). This variant has not been reported in the literature in individuals affected with IFT172-related conditions. ClinVar contains an entry for this variant (Variation ID: 850038). Algorithms developed to predict the effect of missense changes on protein structure and function are either unavailable or do not agree on the potential impact of this missense change (SIFT: "Deleterious"; PolyPhen-2: "Possibly Damaging"; Align-GVGD: "Class C0"). In summary, the available evidence is currently insufficient to determine the role of this variant in disease. Therefore, it has been classified as a Variant of Uncertain Significance.

NM_015662.3(IFT172):c.347C>T (p.Thr116Ile)

Gene: IFT172 (intraflagellar transport 172; minus strand). Cytogenetic location: 2p23.3.
Variant type: single nucleotide variant.
Coding change: c.347C>T on transcript NM_015662.3 (MANE Select); coding-DNA position 347, C replaced by T.
Protein change: p.Thr116Ile; replaces threonine 116 with isoleucine.
Molecular consequence: missense variant.
Genome position (GRCh38, 1-based): chr2:27,483,927, G>A on the plus strand (C>T on the coding strand, the complement: IFT172 is on the minus strand). VCF-style: chr2-27483927-G-A. GRCh37 (hg19) VCF-style: chr2-27706794-G-A.
Other names: short protein forms T116I.
Identifiers: ClinVar variation 850038 (VCV000850038.8), dbSNP rs751230602, ClinGen allele CA1581010.
Genomic context (GRCh38, chr2:27,483,927, plus strand): 5'-TTTACCTTCCCTTCAGCCAGTCCAAAGACAATGATGTATTCTGCCGGCCATTGCAGACAA[G>A]TGACAGCACTCTGCGTGGAAGGAAACAATGAAAAGGATAACCCCATCTGTGTGGGCCAGC-3'
Protein context (NP_056477.1, residues 106-126): CNKFIQTSAV[Thr116Ile]CLQWPAEYII